The following is an entry in ClinVar:

ClinVar aggregate classification (germline): Uncertain significance (1 of 4 stars; one submission).

Submission:

GeneDx
Classification: Uncertain significance. Last evaluated: 2023-08-01. Review status: criteria provided, single submitter. Criteria: GeneDx Variant Classification Process June 2021. Collection method: clinical testing. Allele origin: germline. Affected: yes.
Comment: Not observed at significant frequency in large population cohorts (gnomAD); In silico analysis supports that this missense variant does not alter protein structure/function; Has not been previously published as pathogenic or benign to our knowledge

NM_030632.3(ASXL3):c.4610C>A (p.Ser1537Tyr)

Gene: ASXL3 (ASXL transcriptional regulator 3; plus strand). Cytogenetic location: 18q12.1.
Variant type: single nucleotide variant.
Coding change: c.4610C>A on transcript NM_030632.3 (MANE Select); coding-DNA position 4610, C replaced by A.
Protein change: p.Ser1537Tyr; replaces serine 1537 with tyrosine.
Molecular consequence: missense variant.
Genome position (GRCh38, 1-based): chr18:33,744,458, C>A. VCF-style: chr18-33744458-C-A. GRCh37 (hg19) VCF-style: chr18-31324422-C-A.
Other names: short protein forms S1537Y.
Identifiers: ClinVar variation 3361712 (VCV003361712.1).
Genomic context (GRCh38, chr18:33,744,458, plus strand): 5'-CTCAGGTGTCTGTGATTAGCAGGCCTGAGCCAGTTGCCAACGAAGGTATAGATCACAGTT[C>A]CACTTTCATTGCTGCTTCGGCAGCAAAACAAGACAGTAAAACATTGCCGGCCACCTGCAC-3'
Protein context (NP_085135.1, residues 1527-1547): PVANEGIDHS[Ser1537Tyr]TFIAASAAKQ